The following is an entry in ClinVar:

ClinVar aggregate classification (germline): Uncertain significance (1 of 4 stars; one submission).

Allele frequency attached by ClinVar (database versions not stated): TOPMed below 0.00001.

Submission:

Labcorp Genetics (formerly Invitae), Labcorp
Classification: Uncertain significance. Last evaluated: 2024-12-09. Review status: criteria provided, single submitter. Criteria: Invitae Variant Classification Sherloc (09022015). Collection method: clinical testing. Allele origin: germline.
Comment: This sequence change replaces proline, which is neutral and non-polar, with serine, which is neutral and polar, at codon 715 of the NPAT protein (p.Pro715Ser). This variant is not present in population databases (gnomAD no frequency). This variant has not been reported in the literature in individuals affected with NPAT-related conditions. ClinVar contains an entry for this variant (Variation ID: 2125043). An algorithm developed to predict the effect of missense changes on protein structure and function outputs the following: PolyPhen-2: "Benign". The serine amino acid residue is found in multiple mammalian species, which suggests that this missense change does not adversely affect protein function. In summary, the available evidence is currently insufficient to determine the role of this variant in disease. Therefore, it has been classified as a Variant of Uncertain Significance.

NM_002519.3(NPAT):c.2143C>T (p.Pro715Ser)

Gene: NPAT (nuclear protein, coactivator of histone transcription; minus strand). Cytogenetic location: 11q22.3.
Variant type: single nucleotide variant.
Coding change: c.2143C>T on transcript NM_002519.3 (MANE Select); coding-DNA position 2143, C replaced by T.
Protein change: p.Pro715Ser; replaces proline 715 with serine.
Molecular consequence: missense variant.
Genome position (GRCh38, 1-based): chr11:108,172,841, G>A on the plus strand (C>T on the coding strand, the complement: NPAT is on the minus strand). VCF-style: chr11-108172841-G-A. GRCh37 (hg19) VCF-style: chr11-108043568-G-A.
Other names: c.2143C>T, p.Pro715Ser (NM_001321307.1); short protein forms P715S.
Identifiers: ClinVar variation 2125043 (VCV002125043.4), dbSNP rs1222959495, ClinGen allele CA382513598.